The following is an entry in ClinVar:

ClinVar aggregate classification (germline): Likely pathogenic (1 of 4 stars; one submission).

Conditions:
Niemann-Pick disease, type A. Also called: SPHINGOMYELIN LIPIDOSIS; SPHINGOMYELINASE DEFICIENCY; Infantile Neurovisceral ASMD (Niemann-Pick Disease Type A; NPD-A). Identifiers: Orphanet 77292, MedGen C0268242, MONDO:0009756, OMIM 257200. Disease mechanism: loss of function.
Niemann-Pick disease, type B. Also called: Chronic Visceral ASMD (Niemann-Pick Disease Type B; NPD-B). Identifiers: Orphanet 77293, MedGen C0268243, MONDO:0011871, OMIM 607616. Disease mechanism: loss of function.

Submission:

Labcorp Genetics (formerly Invitae), Labcorp
Classification: Likely pathogenic for Niemann-Pick disease, type B; Niemann-Pick disease, type A. Last evaluated: 2023-06-04. Review status: criteria provided, single submitter. Criteria: Invitae Variant Classification Sherloc (09022015). Collection method: clinical testing. Allele origin: germline.
Comment: This variant disrupts the p.Gly579 amino acid residue in SMPD1. Other variant(s) that disrupt this residue have been determined to be pathogenic (PMID: 1718266, 15877209). This suggests that this residue is clinically significant, and that variants that disrupt this residue are likely to be disease-causing. In summary, the currently available evidence indicates that the variant is pathogenic, but additional data are needed to prove that conclusively. Therefore, this variant has been classified as Likely Pathogenic. Advanced modeling of protein sequence and biophysical properties (such as structural, functional, and spatial information, amino acid conservation, physicochemical variation, residue mobility, and thermodynamic stability) performed at Invitae indicates that this missense variant is expected to disrupt SMPD1 protein function. This variant has not been reported in the literature in individuals affected with SMPD1-related conditions. This variant is not present in population databases (gnomAD no frequency). This sequence change replaces glycine, which is neutral and non-polar, with aspartic acid, which is acidic and polar, at codon 579 of the SMPD1 protein (p.Gly579Asp).

Literature cited by the submitters: PubMed 1718266; PubMed 15877209.

NM_000543.5(SMPD1):c.1736G>A (p.Gly579Asp)

Gene: SMPD1 (sphingomyelin phosphodiesterase 1; plus strand). Cytogenetic location: 11p15.4.
Variant type: single nucleotide variant.
Coding change: c.1736G>A on transcript NM_000543.5 (MANE Select); coding-DNA position 1736, G replaced by A.
Protein change: p.Gly579Asp; replaces glycine 579 with aspartic acid.
Molecular consequence: missense variant. On other transcripts: 3 prime UTR variant (1), non-coding transcript variant (2).
Genome position (GRCh38, 1-based): chr11:6,394,447, G>A. VCF-style: chr11-6394447-G-A. GRCh37 (hg19) VCF-style: chr11-6415677-G-A.
Other names: c.1733G>A, p.Gly578Asp (NM_001007593.3); c.*229G>A (NM_001318087.2); c.815G>A, p.Gly272Asp (NM_001318088.2); c.1604G>A, p.Gly535Asp (NM_001365135.2); short protein forms G578D, G579D, G272D, G535D.
Identifiers: ClinVar variation 2948554 (VCV002948554.3), dbSNP rs2493823558, ClinGen allele CA379376960.